The following is an entry in ClinVar:

ClinVar aggregate classification (germline): Pathogenic. Review status: reviewed by expert panel (3 of 4 stars). 16 submissions from 16 submitters: Pathogenic (1). 15 of the submissions do not count toward it. Last evaluated 2015-08-10.

Conditions:
Hereditary cancer-predisposing syndrome. Also called: Hereditary Cancer Syndrome; Hereditary neoplastic syndrome; Neoplastic Syndromes, Hereditary; Tumor predisposition. Identifiers: Orphanet 140162, MedGen C0027672, MeSH D009386, MONDO:0015356.
Infant-type hemispheric glioma. Identifiers: Orphanet 695136, MedGen C5669919, MONDO:0858940.
Hereditary breast ovarian cancer syndrome. Also called: BRCA1- and BRCA2-Associated Hereditary Breast and Ovarian Cancer; Hereditary breast and ovarian cancer syndrome; Hereditary breast and ovarian cancer syndrome (HBOC); Breast and ovarian cancer; Hereditary breast and/or ovarian cancer syndrome; Hereditary breast and ovarian cancer. Identifiers: Orphanet 145, MedGen C0677776, MeSH D061325, MONDO:0003582. Disease mechanism: loss of function.
Breast-ovarian cancer, familial, susceptibility to, 1 (BROVCA1). Also called: BRCA1 Hereditary Breast and Ovarian Cancer; OVARIAN CANCER, SUSCEPTIBILITY TO. Identifiers: Orphanet 145, MedGen C2676676, MONDO:0011450, OMIM 604370. Disease mechanism: loss of function.
BRCA1-related disorder. Also called: BRCA1-related condition.

Submissions 1 to 6 of 17:

Evidence-based Network for the Interpretation of Germline Mutant Alleles (ENIGMA)
Classification: Pathogenic for Breast-ovarian cancer, familial 1. Last evaluated: 2015-08-10. Review status: reviewed by expert panel. Criteria: ENIGMA BRCA1/2 Classification Criteria (2015). Collection method: curation. Allele origin: germline.
Comment: IARC class based on posterior probability from multifactorial likelihood analysis, thresholds for class as per Plon et al. 2008 (PMID: 18951446). Class 5 based on posterior probability = 0.99

GeneDx
Classification: Pathogenic. Last evaluated: 2026-08-04. Review status: criteria provided, single submitter. Criteria: GeneDx Variant Classification Process June 2021. Collection method: clinical testing. Allele origin: germline. Not counted in ClinVar's aggregate classification.
Comment: Observed in individuals with a personal and/or family history of breast, ovarian, and/or pancreatic cancer (PMID: 9609997, 19543972, 25452441, 27741520, 27225819, 28888541, 29506128, 32438681, 34981296, 39176249); Published functional studies demonstrate a damaging effect: deficient HDR activity, reduced BARD1 binding, and sensitivity to PARP inhibitors (PMID: 30209399, 30219179, 38069422, 41484234, 32546644); Multifactorial studies suggest this variant is associated with breast and ovarian cancer (PMID: 19543972, 21990134, 21990165); In silico analysis supports that this missense variant has a deleterious effect on protein structure/function; Not observed at significant frequency in large population cohorts (gnomAD); Also known as 184T>C; This variant is associated with the following publications: (PMID: 27225819, 25452441, 18951461, 24489791, 19543972, 25525159, 21990165, 24281179, 22753008, 9609997, 27272900, 25823446, 28408614, 27741520, 29339979, 29506128, 29907814, 29446198, 30219179, 30209399, 33087888, Paquette[article]2021, 35659930, 34572941, 34906479, 35534113, 34981296, 28888541, 32438681, 21990134, 38069422, 30696104, Mateu-Regue2024[FunctionalStudy], 38386807, 39176249, 24389207, 20104584, 41484234, 32546644, 37578980)

Women's Health and Genetics/Laboratory Corporation of America, LabCorp
Classification: Likely pathogenic for Hereditary breast ovarian cancer syndrome. Last evaluated: 2026-06-03. Review status: criteria provided, single submitter. Criteria: LabCorp Variant Classification Summary - May 2015. Collection method: clinical testing. Allele origin: germline. Not counted in ClinVar's aggregate classification.
Comment: Variant summary: BRCA1 c.65T>C (p.Leu22Ser) results in a non-conservative amino acid change in the encoded protein sequence. The variant was absent in 250924 control chromosomes. c.65T>C has been observed in multiple individuals affected with Hereditary Breast And Ovarian Cancer Syndrome (Katagiri_1998, Sweet_2010, Couch_2015, Pilato_2016, Fernandes_2016). These data indicate that the variant is likely to be associated with disease. At least one publication reports experimental evidence evaluating an impact on protein function (Starita_2015). The most pronounced variant effect results in about 30% of normal activity in an in vitro assay. The following publications have been ascertained in the context of this evaluation (PMID: 9609997, 19543972, 25452441, 25823446, 27741520, 27225819). ClinVar contains an entry for this variant (Variation ID: 55656). Based on the evidence outlined above, the variant was classified as likely pathogenic.

Labcorp Genetics (formerly Invitae), Labcorp
Classification: Likely pathogenic for Hereditary breast ovarian cancer syndrome. Last evaluated: 2026-01-28. Review status: criteria provided, single submitter. Criteria: Invitae Variant Classification Sherloc (09022015). Collection method: clinical testing. Allele origin: germline. Not counted in ClinVar's aggregate classification.
Comment: This sequence change replaces leucine, which is neutral and non-polar, with serine, which is neutral and polar, at codon 22 of the BRCA1 protein (p.Leu22Ser). This variant is not present in population databases (gnomAD no frequency). This missense change has been observed in individual(s) with breast and/or ovarian cancer (PMID: 9609997, 19543972, 25452441, 28888541, 30339520, 32438681, 34981296, 38386807). ClinVar contains an entry for this variant (Variation ID: 55656). Invitae Evidence Modeling incorporating data from in vitro experimental studies (PMID: 30209399) indicates that this missense variant is expected to disrupt BRCA1 function with a positive predictive value of 95%. Experimental studies have shown that this missense change affects BRCA1 function (PMID: 21990134, 25823446, 30209399, 30696104). In summary, the currently available evidence indicates that the variant is pathogenic, but additional data are needed to prove that conclusively. Therefore, this variant has been classified as Likely Pathogenic.

Ambry Genetics
Classification: Likely pathogenic for Hereditary cancer-predisposing syndrome. Last evaluated: 2025-12-09. Review status: criteria provided, single submitter. Criteria: Ambry Variant Classification Scheme 2023. Collection method: clinical testing. Allele origin: germline. Not counted in ClinVar's aggregate classification.
Comment: The p.L22S variant (also known as c.65T>C), located in coding exon 1 of the BRCA1 gene, results from a T to C substitution at nucleotide position 65. The leucine at codon 22 is replaced by serine, an amino acid with dissimilar properties. One functional study found that this nucleotide substitution is non-functional in a high throughput genome editing haploid cell survival assay (Findlay GM et al. Nature, 2018 Oct;562:217-222). This amino acid position is highly conserved in available vertebrate species. In addition, this alteration is predicted to be deleterious by in silico analysis. This variant is considered to be rare based on population cohorts in the Genome Aggregation Database (gnomAD). Based on the majority of available evidence to date, this variant is likely to be pathogenic.

Color Diagnostics, LLC DBA Color Health
Classification: Pathogenic for Hereditary cancer-predisposing syndrome. Last evaluated: 2024-12-11. Review status: criteria provided, single submitter. Criteria: ACMG Guidelines, 2015. Collection method: clinical testing. Allele origin: germline. Not counted in ClinVar's aggregate classification.
Comment: This missense variant replaces leucine with serine at codon 22 of the BRCA1 protein. Computational prediction suggests that this variant may have deleterious impact on protein structure and function. This variant has been reported to be functionally abnormal in homology-directed DNA repair assays (PMID: 25823446, 30219179, 30696104), a BARD1 binding assay (PMID: 30696104), and a haploid cell proliferation assay (PMID: 30209399). This variant has been reported in multiple individuals affected with breast and/or ovarian cancer (PMID: 9609997, 19543972, 27741520, 29907814, 32380732, 32438681) and pancreatic cancer (PMID: 29506128). A multifactorial analysis has reported a likelihood ratio for pathogenicity based on personal and family history of 21.151 from log(LR)=1.325323224 for 3 carriers (PMID: 31853058). This variant has not been identified in the general population by the Genome Aggregation Database (gnomAD). Based on the available evidence, this variant is classified as Pathogenic.

NM_007294.4(BRCA1):c.65T>C (p.Leu22Ser)

Gene: BRCA1 (BRCA1 DNA repair associated; minus strand). Cytogenetic location: 17q21.31.
Variant type: single nucleotide variant.
Coding change: c.65T>C on transcript NM_007294.4 (MANE Select); coding-DNA position 65, T replaced by C.
Protein change: p.Leu22Ser; replaces leucine 22 with serine.
Molecular consequence: missense variant. On other transcripts: 5 prime UTR variant (1), non-coding transcript variant (1).
Genome position (GRCh38, 1-based): chr17:43,124,032, A>G on the plus strand (T>C on the coding strand, the complement: BRCA1 is on the minus strand). VCF-style: chr17-43124032-A-G. GRCh37 (hg19) VCF-style: chr17-41276049-A-G.
Other names: 184T>C; c.65T>C, p.Leu22Ser (NM_001407594.1, NM_001407596.1, NM_001407597.1 and 193 more transcripts); c.-196T>C (NM_001408452.1, NM_001408462.1, NM_001408463.1 and 22 more transcripts); c.-23T>C (NM_001408454.1, NM_001408459.1, NM_001408460.1 and 23 more transcripts); c.-193T>C (NM_001408455.1, NM_001408456.1, NM_001408468.1 and 11 more transcripts); c.-197T>C (NM_001408465.1, NM_001407695.1); c.-124T>C (NM_001408478.1, NM_001408479.1, NM_001408480.1 and 46 more transcripts); c.-269T>C (NM_001408482.1); and 9 more; short protein forms L22S.
Identifiers: ClinVar variation 55656 (VCV000055656.40), dbSNP rs80357438, ClinGen allele CA003779.
Genomic context (GRCh38, chr17:43,124,032, plus strand): 5'-ATAATCATAGGAATCCCAAATTAATACACTCTTGTGCTGACTTACCAGATGGGACACTCT[A>G]AGATTTTCTGCATAGCATTAATGACATTTTGTACTTCTTCAACGCGAAGAGCAGATAAAT-3'
Protein context (NP_009225.1, residues 12-32): QNVINAMQKI[Leu22Ser]ECPICLELIK